The following is an entry in ClinVar:

NM_007294.4(BRCA1):c.2359G>C (p.Glu787Gln)

Gene: BRCA1 (BRCA1 DNA repair associated; minus strand). Cytogenetic location: 17q21.31.
Variant type: single nucleotide variant.
Coding change: c.2359G>C on transcript NM_007294.4 (MANE Select); coding-DNA position 2359, G replaced by C.
Protein change: p.Glu787Gln; replaces glutamic acid 787 with glutamine.
Molecular consequence: missense variant. On other transcripts: intron variant (137).
Genome position (GRCh38, 1-based): chr17:43,093,172, C>G on the plus strand (G>C on the coding strand, the complement: BRCA1 is on the minus strand). VCF-style: chr17-43093172-C-G. GRCh37 (hg19) VCF-style: chr17-41245189-C-G.
Other names: c.2146G>C, p.Glu716Gln (NM_001407571.1, NM_001407853.1, NM_001407894.1 and 9 more transcripts); c.2359G>C, p.Glu787Gln (NM_001407581.1, NM_001407582.1, NM_001407583.1 and 30 more transcripts); c.2356G>C, p.Glu786Gln (NM_001407587.1, NM_001407590.1, NM_001407591.1 and 22 more transcripts); c.2350G>C, p.Glu784Gln (NM_001407646.1, NM_001407647.1); c.2236G>C, p.Glu746Gln (NM_001407648.1, NM_001407664.1, NM_001407665.1 and 19 more transcripts); c.2233G>C, p.Glu745Gln (NM_001407649.1, NM_001407670.1, NM_001407671.1 and 11 more transcripts); c.2281G>C, p.Glu761Gln (NM_001407653.1, NM_001407654.1, NM_001407655.1 and 4 more transcripts); c.2278G>C, p.Glu760Gln (NM_001407659.1, NM_001407660.1, NM_001407661.1 and 1 more transcripts); and 41 more; short protein forms E740Q, E787Q, E660Q, E699Q, E745Q, E746Q, E491Q, E659Q.
Identifiers: ClinVar variation 1432111 (VCV001432111.14), dbSNP rs1288796003, ClinGen allele CA10597292.

ClinVar aggregate classification (germline): Conflicting classifications of pathogenicity. Review status: criteria provided, conflicting classifications (1 of 4 stars). 4 submissions from 4 submitters: Uncertain significance (3); Likely benign (1). Last evaluated 2024-03-05.

Conditions:
Hereditary breast ovarian cancer syndrome. Also called: Hereditary breast and ovarian cancer syndrome (HBOC); Breast and ovarian cancer; BRCA1- and BRCA2-Associated Hereditary Breast and Ovarian Cancer; Hereditary breast and/or ovarian cancer syndrome; Hereditary breast and ovarian cancer; Hereditary breast and ovarian cancer syndrome. Identifiers: Orphanet 145, MedGen C0677776, MeSH D061325, MONDO:0003582. Disease mechanism: loss of function.
Hereditary cancer-predisposing syndrome. Also called: Hereditary Cancer Syndrome; Hereditary neoplastic syndrome; Neoplastic Syndromes, Hereditary; Tumor predisposition. Identifiers: Orphanet 140162, MedGen C0027672, MeSH D009386, MONDO:0015356.

Allele frequency attached by ClinVar (database versions not stated): gnomAD exomes below 0.00001.
gnomAD v4.1: 1 of 1,613,784 alleles (0.000062%); highest among the groups gnomAD compares: Non-Finnish European, 0.000085%; no homozygotes.

Submissions (4):

Color Diagnostics, LLC DBA Color Health
Classification: Uncertain significance for Hereditary cancer-predisposing syndrome. Last evaluated: 2024-03-05. Review status: criteria provided, single submitter. Criteria: ACMG Guidelines, 2015. Collection method: clinical testing. Allele origin: germline.
Comment: This missense variant replaces glutamic acid with glutamine at codon 787 of the BRCA1 protein. Computational prediction is inconclusive regarding the impact of this variant on protein structure and function. To our knowledge, functional studies have not been reported for this variant. This variant has been detected in a breast cancer case-control meta-analysis in 1/60466 cases and 0/53461 unaffected individuals (PMID: 33471991; Leiden Open Variation Database DB-ID BRCA1_006419). This variant has not been identified in the general population by the Genome Aggregation Database (gnomAD). The available evidence is insufficient to determine the role of this variant in disease conclusively. Therefore, this variant is classified as a Variant of Uncertain Significance.

University of Washington Department of Laboratory Medicine, University of Washington
Classification: Likely benign for Hereditary cancer-predisposing syndrome. Last evaluated: 2023-03-23. Review status: criteria provided, single submitter. Criteria: Dines et al. (Genet Med. 2020). Collection method: curation. Allele origin: germline.
Comment: Missense variant in a coldspot region where missense variants are very unlikely to be pathogenic (PMID:31911673).

BRCA1 coldspot (exon 11 using historical exon numbering). Reclassification based on statistical prior probability

Ambry Genetics
Classification: Uncertain significance for Hereditary cancer-predisposing syndrome. Last evaluated: 2021-06-17. Review status: criteria provided, single submitter. Criteria: Ambry Variant Classification Scheme 2023. Collection method: clinical testing. Allele origin: germline.
Comment: The p.E787Q variant (also known as c.2359G>C), located in coding exon 9 of the BRCA1 gene, results from a G to C substitution at nucleotide position 2359. The glutamic acid at codon 787 is replaced by glutamine, an amino acid with highly similar properties. This amino acid position is conserved. In addition, the in silico prediction for this alteration is inconclusive. Since supporting evidence is limited at this time, the clinical significance of this alteration remains unclear.

Labcorp Genetics (formerly Invitae), Labcorp
Classification: Uncertain significance for Hereditary breast ovarian cancer syndrome. Last evaluated: 2021-06-06. Review status: criteria provided, single submitter. Criteria: Invitae Variant Classification Sherloc (09022015). Collection method: clinical testing. Allele origin: germline.
Comment: This sequence change replaces glutamic acid with glutamine at codon 787 of the BRCA1 protein (p.Glu787Gln). The glutamic acid residue is moderately conserved and there is a small physicochemical difference between glutamic acid and glutamine. This variant is not present in population databases (ExAC no frequency). This variant has not been reported in the literature in individuals with BRCA1-related conditions. Advanced modeling of protein sequence and biophysical properties (such as structural, functional, and spatial information, amino acid conservation, physicochemical variation, residue mobility, and thermodynamic stability) performed at Invitae indicates that this missense variant is not expected to disrupt BRCA1 protein function. In summary, the available evidence is currently insufficient to determine the role of this variant in disease. Therefore, it has been classified as a Variant of Uncertain Significance.

Literature cited by the submitters: PubMed 33471991 (cited by Color Diagnostics, LLC DBA Color Health).